The following is an entry in ClinVar:

NM_004793.4(LONP1):c.135C>T (p.Thr45=)

Gene: LONP1 (lon peptidase 1, mitochondrial; minus strand). Cytogenetic location: 19p13.3.
Variant type: single nucleotide variant.
Coding change: c.135C>T on transcript NM_004793.4 (MANE Select); coding-DNA position 135, C replaced by T.
Protein change: p.Thr45=; no amino-acid change (threonine 45 retained).
Molecular consequence: synonymous variant. On other transcripts: intron variant (2).
Genome position (GRCh38, 1-based): chr19:5,719,998, G>A on the plus strand (C>T on the coding strand, the complement: LONP1 is on the minus strand). VCF-style: chr19-5719998-G-A. GRCh37 (hg19) VCF-style: chr19-5720009-G-A.
Other names: c.-160+221C>T (NM_001276480.1); c.124+11C>T (NM_001276479.2); c.135C>T (NM_004793.3).
Identifiers: ClinVar variation 1589130 (VCV001589130.9), dbSNP rs576227341, ClinGen allele CA9115231.
Genomic context (GRCh38, chr19:5,719,998, plus strand): 5'-CCATTGGCCCCCAATTGCCGGGCCTCGGCCCCACAGTGCCCAAGGAGGAGAGGCGTCGCA[G>A]GTCCGCTGGCCTCGGAGCAACCACGCTCCTGCTGCAGTGGGAACCCGCCCCCCGGCGGCG-3'
Protein context (NP_004784.2, residues 35-55): AGAWLLRGQR[Thr45=]CDASPPWALW

ClinVar aggregate classification (germline): Likely benign. Review status: criteria provided, multiple submitters, no conflicts (2 of 4 stars). 2 submissions from 2 submitters: Likely benign (2). Last evaluated 2025-08-16.

Conditions:
LONP1-related disorder. Also called: LONP1-related condition; LONP1-related disorders.

Allele frequency attached by ClinVar (database versions not stated): gnomAD exomes 0.00001 and 0.00009; TOPMed 0.00001; gnomAD 0.00003; ExAC 0.00012; 1000 Genomes Project 30x 0.00031; 1000 Genomes Project 0.00040.
gnomAD v4.1: 22 of 1,579,710 alleles (0.0014%); highest among the groups gnomAD compares: East Asian, 0.045%; no homozygotes.

Submissions (2):

PreventionGenetics, part of Exact Sciences
Classification: Likely benign for LONP1-related condition. Last evaluated: 2025-08-16. Review status: criteria provided, single submitter. Criteria: ACMG Guidelines, 2015. Collection method: clinical testing. Allele origin: germline.
Comment: This variant is classified as likely benign based on ACMG/AMP sequence variant interpretation guidelines (Richards et al. 2015 PMID: 25741868, with internal and published modifications).

Labcorp Genetics (formerly Invitae), Labcorp
Classification: Likely benign. Last evaluated: 2024-09-21. Review status: criteria provided, single submitter. Criteria: Invitae Variant Classification Sherloc (09022015). Collection method: clinical testing. Allele origin: germline.